The following is an entry in ClinVar:

ClinVar aggregate classification (germline): Uncertain significance (1 of 4 stars; one submission).

Conditions:
Hereditary cancer-predisposing syndrome. Also called: Neoplastic Syndromes, Hereditary; Tumor predisposition; Hereditary Cancer Syndrome; Hereditary neoplastic syndrome. Identifiers: Orphanet 140162, MedGen C0027672, MeSH D009386, MONDO:0015356.

Submission:

Ambry Genetics
Classification: Uncertain significance for Hereditary cancer-predisposing syndrome. Last evaluated: 2025-12-19. Review status: criteria provided, single submitter. Criteria: Ambry Variant Classification Scheme 2023. Collection method: clinical testing. Allele origin: germline.
Comment: The p.S430F variant (also known as c.1289C>T), located in coding exon 6 of the ALK gene, results from a C to T substitution at nucleotide position 1289. The serine at codon 430 is replaced by phenylalanine, an amino acid with highly dissimilar properties. This amino acid position is not well conserved in available vertebrate species. In addition, this alteration is predicted to be tolerated by in silico analysis. Based on the available evidence, the clinical significance of this variant remains unclear.

NM_004304.5(ALK):c.1289C>T (p.Ser430Phe)

Gene: ALK (ALK receptor tyrosine kinase; minus strand). Cytogenetic location: 2p23.2.
Variant type: single nucleotide variant.
Coding change: c.1289C>T on transcript NM_004304.5 (MANE Select); coding-DNA position 1289, C replaced by T.
Protein change: p.Ser430Phe; replaces serine 430 with phenylalanine.
Molecular consequence: missense variant.
Genome position (GRCh38, 1-based): chr2:29,328,475, G>A on the plus strand (C>T on the coding strand, the complement: ALK is on the minus strand). VCF-style: chr2-29328475-G-A. GRCh37 (hg19) VCF-style: chr2-29551341-G-A.
Other names: short protein forms S430F.
Identifiers: ClinVar variation 4843240 (VCV004843240.1).
Genomic context (GRCh38, chr2:29,328,475, plus strand): 5'-TGGAGGACTGTCCCATTCCAACAAGTGAAGGAGCTCTGCAGGGCCATCTTGGAGCCTGGG[G>A]ATGTTCCTGGAGAGCACACAGACACACAACCATGGTAAGTTTGCATGGCCCCAGGCAGCA-3'
Protein context (NP_004295.2, residues 420-440): FALKNCSEGT[Ser430Phe]PGSKMALQSS